The following is an entry in ClinVar:

NM_002880.4(RAF1):c.1371-5C>A

Gene: RAF1 (Raf-1 proto-oncogene, serine/threonine kinase; minus strand). Cytogenetic location: 3p25.2.
Variant type: single nucleotide variant.
Coding change: c.1371-5C>A on transcript NM_002880.4 (MANE Select); 5 bases into the intron before coding-DNA position 1371, C replaced by A.
Molecular consequence: intron variant.
Genome position (GRCh38, 1-based): chr3:12,587,642, G>T on the plus strand (C>A on the coding strand, the complement: RAF1 is on the minus strand). VCF-style: chr3-12587642-G-T. GRCh37 (hg19) VCF-style: chr3-12629141-G-T.
Other names: c.1029-5C>A (NM_001354695.3); c.1128-5C>A (NM_001354692.3, NM_001354691.3); c.1188-5C>A (NM_001354694.3); c.1272-5C>A (NM_001354693.3); c.1431-5C>A (NM_001354689.3); c.1371-5C>A (NM_001354690.3, NM_002880.3).
Identifiers: ClinVar variation 1095746 (VCV001095746.7), dbSNP rs1235301663, ClinGen allele CA898405898.

ClinVar aggregate classification (germline): Conflicting classifications of pathogenicity. Review status: criteria provided, conflicting classifications (1 of 4 stars). 2 submissions from 2 submitters: Uncertain significance (1); Likely benign (1). Last evaluated 2025-06-03.

Conditions:
Cardiovascular phenotype. Identifiers: MedGen CN230736.
RASopathy. Also called: rasopathies; Noonan spectrum disorder. Identifiers: Orphanet 536391, MedGen C5555857, MONDO:0021060.

Allele frequency attached by ClinVar (database versions not stated): gnomAD exomes below 0.00001; gnomAD 0.00002; TOPMed 0.00002.
gnomAD v4.1: 7 of 1,602,896 alleles (0.00044%); highest among the groups gnomAD compares: Non-Finnish European, 0.0006%; no homozygotes.

Submissions (2):

Labcorp Genetics (formerly Invitae), Labcorp
Classification: Likely benign for RASopathy. Last evaluated: 2025-06-03. Review status: criteria provided, single submitter. Criteria: Invitae Variant Classification Sherloc (09022015). Collection method: clinical testing. Allele origin: germline.

Ambry Genetics
Classification: Uncertain significance for Cardiovascular phenotype. Last evaluated: 2023-11-28. Review status: criteria provided, single submitter. Criteria: Ambry Variant Classification Scheme 2023. Collection method: clinical testing. Allele origin: germline.
Comment: The c.1371-5C>A intronic variant results from a C to A substitution 5 nucleotides upstream from coding exon 12 in the RAF1 gene. This nucleotide position is not well conserved in available vertebrate species. In silico splice site analysis for this alteration is inconclusive. Since supporting evidence is limited at this time, the clinical significance of this alteration remains unclear.